The following is an entry in ClinVar:

NM_000552.5(VWF):c.6479A>G (p.Tyr2160Cys)

Gene: VWF (von Willebrand factor; minus strand). Cytogenetic location: 12p13.31.
Variant type: single nucleotide variant.
Coding change: c.6479A>G on transcript NM_000552.5 (MANE Select); coding-DNA position 6479, A replaced by G.
Protein change: p.Tyr2160Cys; replaces tyrosine 2160 with cysteine.
Molecular consequence: missense variant.
Genome position (GRCh38, 1-based): chr12:5,993,981, T>C on the plus strand (A>G on the coding strand, the complement: VWF is on the minus strand). VCF-style: chr12-5993981-T-C. GRCh37 (hg19) VCF-style: chr12-6103147-T-C.
Other names: p.Y2160C; short protein forms Y2160C.
Identifiers: ClinVar variation 627112 (VCV000627112.4), dbSNP rs779764302, ClinGen allele CA6401982.
Genomic context (GRCh38, chr12:5,993,981, plus strand): 5'-TAAGAGGCGATCACCTCACACACTTGCTCCTGGTGGCAACTGTCCTGCTGGCAGATGGCA[T>C]AGAATGTGGCTGGAGCCAGGACCTTGTGGCATTCAGCAAACAGTGGTAAGAGGAGGACCT-3'
Protein context (NP_000543.3, residues 2150-2170): CHKVLAPATF[Tyr2160Cys]AICQQDSCHQ

ClinVar aggregate classification (germline): Uncertain significance. Review status: criteria provided, multiple submitters, no conflicts (2 of 4 stars). 3 submissions from 3 submitters: Uncertain significance (3). Last evaluated 2023-01-12.

Conditions:
Abnormality of coagulation. Identifiers: MedGen C1846821, HP:0001928.
von Willebrand disease type 1 (VWD1). Also called: VON WILLEBRAND DISEASE, TYPE I; VWD, TYPE 1. Identifiers: Orphanet 166078, Orphanet 903, MedGen C1264039, MONDO:0008668, OMIM 193400. Inheritance: autosomal recessive or autosomal dominant.

gnomAD v4.1: 11 of 1,614,130 alleles (0.00068%); highest among the groups gnomAD compares: African/African-American, 0.004%; no homozygotes.

Submissions (3):

GeneDx
Classification: Uncertain significance. Last evaluated: 2023-01-12. Review status: criteria provided, single submitter. Criteria: GeneDx Variant Classification Process June 2021. Collection method: clinical testing. Allele origin: germline. Affected: yes.
Comment: Identified in patients with features of von Willebrand factor deficiency in published literature, but evidence in support of pathogenicity for this variant was not provided (Downes et al., 2019; Lapi et al., 2022; Sadler et al., 2021); In silico analysis supports that this missense variant has a deleterious effect on protein structure/function; This variant is associated with the following publications: (PMID: 33556167, 31064749, 35505650)

Laboratory of Hematology, Radboud University Medical Center
Classification: Uncertain significance for von Willebrand disease type 1. Last evaluated: 2020-12-10. Review status: criteria provided, single submitter. Criteria: ACMG Guidelines, 2015. Collection method: research. Allele origin: germline. Affected: yes. Observed: 1 variant allele. Study: WIN study.

NIHR Bioresource Rare Diseases, University of Cambridge
Classification: Uncertain significance for Abnormality of coagulation. Last evaluated: 2019-02-01. Review status: criteria provided, single submitter. Criteria: ACMG Guidelines, 2015. Collection method: research. Allele origin: unknown. Affected: yes. Observed: 1 heterozygote. Study: ThromboGenomics.

Literature cited by the submitters: PubMed 31064749 (cited by NIHR Bioresource Rare Diseases, University of Cambridge).